The following is an entry in ClinVar:

NM_020461.4(TUBGCP6):c.419G>A (p.Gly140Glu)

Gene: TUBGCP6 (tubulin gamma complex component 6; minus strand). Cytogenetic location: 22q13.33.
Variant type: single nucleotide variant.
Coding change: c.419G>A on transcript NM_020461.4 (MANE Select); coding-DNA position 419, G replaced by A.
Protein change: p.Gly140Glu; replaces glycine 140 with glutamic acid.
Molecular consequence: missense variant.
Genome position (GRCh38, 1-based): chr22:50,244,041, C>T on the plus strand (G>A on the coding strand, the complement: TUBGCP6 is on the minus strand). VCF-style: chr22-50244041-C-T. GRCh37 (hg19) VCF-style: chr22-50682470-C-T.
Other names: short protein forms G140E.
Identifiers: ClinVar variation 1510203 (VCV001510203.8), dbSNP rs535430327, ClinGen allele CA10309059.

ClinVar aggregate classification (germline): Uncertain significance (1 of 4 stars; one submission).

Allele frequency attached by ClinVar (database versions not stated): gnomAD exomes below 0.00001; ExAC 0.00001; gnomAD 0.00001; 1000 Genomes Project 30x 0.00016; 1000 Genomes Project 0.00020.

Submission:

Labcorp Genetics (formerly Invitae), Labcorp
Classification: Uncertain significance. Last evaluated: 2020-10-31. Review status: criteria provided, single submitter. Criteria: Invitae Variant Classification Sherloc (09022015). Collection method: clinical testing. Allele origin: germline.
Comment: In summary, the available evidence is currently insufficient to determine the role of this variant in disease. Therefore, it has been classified as a Variant of Uncertain Significance. Algorithms developed to predict the effect of missense changes on protein structure and function are either unavailable or do not agree on the potential impact of this missense change (SIFT: "Tolerated"; PolyPhen-2: "Probably Damaging"; Align-GVGD: "Class C0"). This variant is present in population databases (rs535430327, ExAC 0.006%). This variant has not been reported in the literature in individuals with TUBGCP6-related conditions. This sequence change replaces glycine with glutamic acid at codon 140 of the TUBGCP6 protein (p.Gly140Glu). The glycine residue is moderately conserved and there is a moderate physicochemical difference between glycine and glutamic acid.